The following is an entry in ClinVar:

ClinVar aggregate classification (germline): Uncertain significance (1 of 4 stars; one submission).

Conditions:
Hearing loss, autosomal dominant 74. Also called: DEAFNESS, AUTOSOMAL DOMINANT 74. Identifiers: MedGen C4748334, MONDO:0029137, OMIM 618140.

Submission:

Laboratory of Prof. Karen Avraham, Tel Aviv University
Classification: Uncertain significance for Hearing loss, autosomal dominant 74. Last evaluated: 2024-12-26. Review status: criteria provided, single submitter. Criteria: ACMG Guidelines, 2015. Collection method: research. Allele origin: germline. Affected: yes. Observed: 1 variant allele.
Comment: The PDE1C c.376C>G:p.(Arg126Gly) heterozygous variant is predicted deleterious and not found in gnomAD.

NM_001191057.4(PDE1C):c.376C>G (p.Arg126Gly)

Gene: PDE1C (phosphodiesterase 1C; minus strand). Cytogenetic location: 7p14.3.
Variant type: single nucleotide variant.
Coding change: c.376C>G on transcript NM_001191057.4 (MANE Select); coding-DNA position 376, C replaced by G.
Protein change: p.Arg126Gly; replaces arginine 126 with glycine.
Molecular consequence: missense variant.
Genome position (GRCh38, 1-based): chr7:31,879,045, G>C on the plus strand (C>G on the coding strand, the complement: PDE1C is on the minus strand). VCF-style: chr7-31879045-G-C. GRCh37 (hg19) VCF-style: chr7-31918658-G-C.
Other names: DFNA74; c.376C>G, p.Arg126Gly (NM_001191056.3, NM_001191059.4, NM_001322055.2 and 3 more transcripts); c.556C>G, p.Arg186Gly (NM_001191058.4, NM_001322058.2); c.781C>G, p.Arg261Gly (NM_001322059.2); short protein forms R126G, R186G, R261G.
Identifiers: ClinVar variation 3393402 (VCV003393402.1).